The following is an entry in ClinVar:

ClinVar aggregate classification (germline): Uncertain significance (1 of 4 stars; one submission).

Conditions:
CHARGE syndrome (CHARGE). Also called: Hittner Hirsch Kreh syndrome; CHARGE ASSOCIATION--COLOBOMA, HEART ANOMALY, CHOANAL ATRESIA, RETARDATION, GENITAL AND EAR ANOMALIES; Coloboma, heart anomaly, choanal atresia, retardation, genital and ear anomalies; CHARGE association; Hall-Hittner syndrome. Identifiers: Orphanet 138, MedGen C0265354, MONDO:0008965.

Submission:

MVZ Medizinische Genetik Mainz
Classification: Uncertain significance for CHD7-related CHARGE syndrome. Last evaluated: 2023-07-13. Review status: criteria provided, single submitter. Criteria: UK Practice Guidelines For Variant Classification V4 01 2020. Collection method: clinical testing. Allele origin: germline. Inheritance: Autosomal dominant inheritance. Affected: yes. Observed: 1 variant allele.
Comment: ACMG Criteria: PP3_STR,PM2_SUP

NM_017780.4(CHD7):c.3071C>T (p.Pro1024Leu)

Gene: CHD7 (chromodomain helicase DNA binding protein 7; plus strand). Cytogenetic location: 8q12.2.
Variant type: single nucleotide variant.
Coding change: c.3071C>T on transcript NM_017780.4 (MANE Select); coding-DNA position 3071, C replaced by T.
Protein change: p.Pro1024Leu; replaces proline 1024 with leucine.
Molecular consequence: missense variant. On other transcripts: intron variant (1).
Genome position (GRCh38, 1-based): chr8:60,822,616, C>T. VCF-style: chr8-60822616-C-T. GRCh37 (hg19) VCF-style: chr8-61735175-C-T.
Other names: c.1717-39613C>T (NM_001316690.1); short protein forms P1024L.
Identifiers: ClinVar variation 3236819 (VCV003236819.1), dbSNP rs2487811801.